The following is an entry in ClinVar:

NM_000530.8(MPZ):c.119G>A (p.Gly40Asp)

Gene: MPZ (myelin protein zero; minus strand). Cytogenetic location: 1q23.3.
Variant type: single nucleotide variant.
Coding change: c.119G>A on transcript NM_000530.8 (MANE Select); coding-DNA position 119, G replaced by A.
Protein change: p.Gly40Asp; replaces glycine 40 with aspartic acid.
Molecular consequence: missense variant.
Genome position (GRCh38, 1-based): chr1:161,307,373, C>T on the plus strand (G>A on the coding strand, the complement: MPZ is on the minus strand). VCF-style: chr1-161307373-C-T. GRCh37 (hg19) VCF-style: chr1-161277163-C-T.
Other names: c.119G>A, p.Gly40Asp (NM_001315491.2); short protein forms G40D.
Identifiers: ClinVar variation 4767084 (VCV004767084.1).
Genomic context (GRCh38, chr1:161,307,373, plus strand): 5'-TCTGAGACCCACTCACTGGACCAGAAGGAGCAGTGCAGGGTCACCCGGGAGCCCACAGCA[C>T]CATGGACCTCCCTGTCGGTGTAAACCACGATGGCCTGGGCCGGGGACAGCACTGCAAGCA-3'
Protein context (NP_000521.2, residues 30-50): IVVYTDREVH[Gly40Asp]AVGSRVTLHC

ClinVar aggregate classification (germline): Uncertain significance (1 of 4 stars; one submission).

Conditions:
Charcot-Marie-Tooth disease, type I (CMT1). Also called: Charcot-Marie-Tooth disease type 1; Charcot-Marie-Tooth, Type 1. Identifiers: Orphanet 65753, MedGen C0751036, MONDO:0019011.

Submission:

Labcorp Genetics (formerly Invitae), Labcorp
Classification: Uncertain significance for Charcot-Marie-Tooth disease, type I. Last evaluated: 2025-10-21. Review status: criteria provided, single submitter. Criteria: Invitae Variant Classification Sherloc (09022015). Collection method: clinical testing. Allele origin: germline.
Comment: This sequence change replaces glycine, which is neutral and non-polar, with aspartic acid, which is acidic and polar, at codon 40 of the MPZ protein (p.Gly40Asp). This variant is not present in population databases (gnomAD no frequency). This missense change has been observed in individual(s) with Charcot–Marie–Tooth disease (PMID: 34060176). Invitae Evidence Modeling of protein sequence and biophysical properties (such as structural, functional, and spatial information, amino acid conservation, physicochemical variation, residue mobility, and thermodynamic stability) indicates that this missense variant is expected to disrupt MPZ protein function with a positive predictive value of 80%. In summary, the available evidence is currently insufficient to determine the role of this variant in disease. Therefore, it has been classified as a Variant of Uncertain Significance.

Literature cited by the submitters: PubMed 34060176.